The following is an entry in ClinVar:

ClinVar aggregate classification (germline): Uncertain significance (1 of 4 stars; one submission).

Conditions:
Inborn genetic diseases. Identifiers: MedGen C0950123, MeSH D030342.

Allele frequency attached by ClinVar (database versions not stated): gnomAD exomes below 0.00001.
gnomAD v4.1: 2 of 1,614,158 alleles (0.00012%); highest among the groups gnomAD compares: African/African-American, 0.0013%; no homozygotes.

Submission:

Ambry Genetics
Classification: Uncertain significance for Inborn genetic diseases. Last evaluated: 2025-01-07. Review status: criteria provided, single submitter. Criteria: Ambry Variant Classification Scheme 2023. Collection method: clinical testing. Allele origin: germline.
Comment: The p.H119R variant (also known as c.356A>G), located in coding exon 4 of the ETV6 gene, results from an A to G substitution at nucleotide position 356. The histidine at codon 119 is replaced by arginine, an amino acid with highly similar properties. This amino acid position is conserved. In addition, the in silico prediction for this alteration is inconclusive. Based on the available evidence, the clinical significance of this variant remains unclear.

NM_001987.5(ETV6):c.356A>G (p.His119Arg)

Gene: ETV6 (ETS variant transcription factor 6; plus strand). Cytogenetic location: 12p13.2.
Variant type: single nucleotide variant.
Coding change: c.356A>G on transcript NM_001987.5 (MANE Select); coding-DNA position 356, A replaced by G.
Protein change: p.His119Arg; replaces histidine 119 with arginine.
Molecular consequence: missense variant.
Genome position (GRCh38, 1-based): chr12:11,853,454, A>G. VCF-style: chr12-11853454-A-G. GRCh37 (hg19) VCF-style: chr12-12006388-A-G.
Other names: c.353A>G, p.His118Arg (NM_001413913.1); c.329A>G, p.His110Arg (NM_001413914.1); c.92A>G, p.His31Arg (NM_001413915.1); c.356A>G, p.His119Arg (NM_001413916.1, NM_001413917.1); short protein forms H119R, H118R, H31R, H110R.
Identifiers: ClinVar variation 2397728 (VCV002397728.3), dbSNP rs2497982065, ClinGen allele CA384043023.